The following is an entry in ClinVar:

NM_001330260.2(SCN8A):c.4916C>G (p.Thr1639Ser)

Gene: SCN8A (sodium voltage-gated channel alpha subunit 8; plus strand). Cytogenetic location: 12q13.13.
Variant type: single nucleotide variant.
Coding change: c.4916C>G on transcript NM_001330260.2 (MANE Select); coding-DNA position 4916, C replaced by G.
Protein change: p.Thr1639Ser; replaces threonine 1639 with serine.
Molecular consequence: missense variant.
Genome position (GRCh38, 1-based): chr12:51,806,402, C>G. VCF-style: chr12-51806402-C-G. GRCh37 (hg19) VCF-style: chr12-52200186-C-G.
Other names: c.4793C>G, p.Thr1598Ser (NM_001177984.3, NM_001369788.1); c.4916C>G, p.Thr1639Ser (NM_014191.4); short protein forms T1598S, T1639S.
Identifiers: ClinVar variation 2824619 (VCV002824619.3), dbSNP rs2138942509, ClinGen allele CA384880508.
Genomic context (GRCh38, chr12:51,806,402, plus strand): 5'-TCCGATTGGCCCGTATTGGGCGCATCTTGCGTCTGATCAAAGGCGCCAAAGGGATTCGTA[C>G]CCTGCTCTTTGCCTTAATGATGTCCTTGCCTGCCCTGTTCAACATCGGCCTTCTGCTCTT-3'
Protein context (NP_001317189.1, residues 1629-1649): RLIKGAKGIR[Thr1639Ser]LLFALMMSLP

ClinVar aggregate classification (germline): Uncertain significance (1 of 4 stars; one submission).

Conditions:
Early-infantile DEE. Also called: Early infantile epileptic encephalopathy; Early infantile epileptic encephalopathy with suppression bursts; Ohtahara syndrome. Identifiers: Orphanet 1934, MedGen C0393706, MONDO:0800491.

Submission:

Labcorp Genetics (formerly Invitae), Labcorp
Classification: Uncertain significance for Early-infantile DEE. Last evaluated: 2024-11-11. Review status: criteria provided, single submitter. Criteria: Invitae Variant Classification Sherloc (09022015). Collection method: clinical testing. Allele origin: germline.
Comment: This sequence change replaces threonine, which is neutral and polar, with serine, which is neutral and polar, at codon 1639 of the SCN8A protein (p.Thr1639Ser). This variant is not present in population databases (gnomAD no frequency). This variant has not been reported in the literature in individuals affected with SCN8A-related conditions. ClinVar contains an entry for this variant (Variation ID: 2824619). Invitae Evidence Modeling of protein sequence and biophysical properties (such as structural, functional, and spatial information, amino acid conservation, physicochemical variation, residue mobility, and thermodynamic stability) indicates that this missense variant is expected to disrupt SCN8A protein function with a positive predictive value of 95%. In summary, the available evidence is currently insufficient to determine the role of this variant in disease. Therefore, it has been classified as a Variant of Uncertain Significance.